The following is an entry in ClinVar:

ClinVar aggregate classification (germline): Pathogenic (1 of 4 stars; one submission).

Conditions:
X-linked severe combined immunodeficiency (SCIDX1). Also called: IMMUNODEFICIENCY 4; SCID, X-LINKED; SEVERE COMBINED IMMUNODEFICIENCY, X-LINKED, T CELL-NEGATIVE, B CELL-POSITIVE, NK CELL-NEGATIVE; X-Linked Combined Immunodeficiency Diseases; T-B+ severe combined immunodeficiency due to gamma chain deficiency. Identifiers: Orphanet 276, MedGen C6022468, MONDO:0010315, OMIM 300400. Disease mechanism: loss of function.

Submission:

Variantyx, Inc.
Classification: Pathogenic for X-linked severe combined immunodeficiency. Last evaluated: 2025-05-30. Review status: criteria provided, single submitter. Criteria: Variantyx Assertion Criteria 2022. Collection method: clinical testing. Allele origin: maternal. Inheritance: X-linked recessive inheritance.
Comment: This is an intronic variant in the IL2RG gene (OMIM: 308380). Pathogenic variants in this gene have been associated with X-linked severe combined immunodeficiency. This is a splicing variant that is expected to result in loss of function, which is a known disease mechanism for IL2RG in this disorder (PMID: 18559672) (PVS1). This variant has been reported in at least 1 affected individual (PMID: 18559672) (PS4), and is absent from control populations (PM2). Based on the current evidence, this variant is classified as pathogenic for X-linked severe combined immunodeficiency.

Literature cited by the submitters: PubMed 18559672.

NM_000206.3(IL2RG):c.115+5G>A

Genes: IL2RG (interleukin 2 receptor subunit gamma; minus strand), LOC126863274 (MED14-independent group 3 enhancer GRCh37_chrX:70330888-70332087; plus strand). Cytogenetic location: Xq13.1.
Variant type: single nucleotide variant.
Coding change: c.115+5G>A on transcript NM_000206.3 (MANE Select); 5 bases into the intron after coding-DNA position 115, G replaced by A.
Molecular consequence: intron variant.
Genome position (GRCh38, 1-based): chrX:71,111,420, C>T on the plus strand (G>A on the coding strand, the complement: IL2RG is on the minus strand). VCF-style: chrX-71111420-C-T. GRCh37 (hg19) VCF-style: chrX-70331270-C-T.
Other names: c.115+5G>A (NM_001438870.1).
Identifiers: ClinVar variation 4795922 (VCV004795922.1).